The following is an entry in ClinVar:

ClinVar aggregate classification (germline): Pathogenic (1 of 4 stars; one submission).

Submission:

Labcorp Genetics (formerly Invitae), Labcorp
Classification: Pathogenic. Last evaluated: 2022-11-23. Review status: criteria provided, single submitter. Criteria: Invitae Variant Classification Sherloc (09022015). Collection method: clinical testing. Allele origin: germline.
Comment: For these reasons, this variant has been classified as Pathogenic. This variant has not been reported in the literature in individuals affected with DEF6-related conditions. This variant is not present in population databases (gnomAD no frequency). This sequence change creates a premature translational stop signal (p.Leu179Serfs*40) in the DEF6 gene. It is expected to result in an absent or disrupted protein product. Loss-of-function variants in DEF6 are known to be pathogenic (PMID: 16470246, 32562707).

Literature cited by the submitters: PubMed 16470246; PubMed 32562707.

NM_022047.4(DEF6):c.534del (p.Leu179fs)

Gene: DEF6 (DEF6 guanine nucleotide exchange factor; plus strand). Cytogenetic location: 6p21.31.
Variant type: Deletion.
Coding change: c.534del on transcript NM_022047.4 (MANE Select); coding-DNA position 534, one base deleted (G; older notation c.534delG).
Protein change: p.Leu179fs; shifts the reading frame from leucine 179.
Molecular consequence: frameshift variant.
Genome position (GRCh38, 1-based): chr6:35,312,412, G deleted; the last of 6 consecutive G bases (chr6:35,312,407-35,312,412); deleting any one gives the same sequence. VCF-style (leftmost placement, unchanged base first): chr6-35312406-CG-C. GRCh37 (hg19) VCF-style: chr6-35280183-CG-C.
Other names: short protein forms L179fs.
Identifiers: ClinVar variation 2815762 (VCV002815762.3), dbSNP rs766609884, ClinGen allele CA645563530.